The following is an entry in ClinVar:

NM_000163.5(GHR):c.1639G>C (p.Ala547Pro)

Gene: GHR (growth hormone receptor; plus strand). Cytogenetic location: 5p12.
Variant type: single nucleotide variant.
Coding change: c.1639G>C on transcript NM_000163.5 (MANE Select); coding-DNA position 1639, G replaced by C.
Protein change: p.Ala547Pro; replaces alanine 547 with proline.
Molecular consequence: missense variant. On other transcripts: 3 prime UTR variant (1).
Genome position (GRCh38, 1-based): chr5:42,719,146, G>C. VCF-style: chr5-42719146-G-C. GRCh37 (hg19) VCF-style: chr5-42719248-G-C.
Other names: c.1660G>C, p.Ala554Pro (NM_001242399.2); c.1639G>C, p.Ala547Pro (NM_001242400.2, NM_001242401.4, NM_001242402.2 and 4 more transcripts); c.1573G>C, p.Ala525Pro (NM_001242460.2); c.*681G>C (NM_001242462.1); short protein forms A554P, A525P, A547P.
Identifiers: ClinVar variation 4703549 (VCV004703549.1).

ClinVar aggregate classification (germline): Uncertain significance (1 of 4 stars; one submission).

Submission:

Labcorp Genetics (formerly Invitae), Labcorp
Classification: Uncertain significance. Last evaluated: 2025-02-10. Review status: criteria provided, single submitter. Criteria: Invitae Variant Classification Sherloc (09022015). Collection method: clinical testing. Allele origin: germline.
Comment: This sequence change replaces alanine, which is neutral and non-polar, with proline, which is neutral and non-polar, at codon 547 of the GHR protein (p.Ala547Pro). This variant is not present in population databases (gnomAD no frequency). This variant has not been reported in the literature in individuals affected with GHR-related conditions. Invitae Evidence Modeling of protein sequence and biophysical properties (such as structural, functional, and spatial information, amino acid conservation, physicochemical variation, residue mobility, and thermodynamic stability) indicates that this missense variant is not expected to disrupt GHR protein function with a negative predictive value of 95%. In summary, the available evidence is currently insufficient to determine the role of this variant in disease. Therefore, it has been classified as a Variant of Uncertain Significance.